The following is an entry in ClinVar:

ClinVar aggregate classification (germline): Pathogenic (1 of 4 stars; one submission).

Submission:

Quest Diagnostics Nichols Institute San Juan Capistrano
Classification: Pathogenic. Last evaluated: 2024-02-19. Review status: criteria provided, single submitter. Criteria: ACMG/ClinGen CNV Guidelines, 2019. Collection method: clinical testing. Allele origin: unknown.
Comment: This gain involves over 100 protein-coding genes. Heterozygous duplications within 2p22.3 have been identified in individuals with various phenotypes (Costa 2022, Cowan 2016, Firth 2009, Molck 2017, Monlong 2018). There are no similar copy number gains of this region in the general populations of the Database of Genomic Variants. Thus, based on current medical literature and gene count, this CNV is classified as pathogenic. References: Costa et al., Clin Genet. 2022 Jan;101(1):134-141. PMID: 34664255; Cowan et al., Philos Trans R Soc Lond B Biol Sci. 2016 Dec 19;371(1710):20150406. PMID: 27821535; Firth et al., Am J Hum Genet. 2009 Apr;84(4):524-33. PMID: 19344873; Molck et al., J Pediatr (Rio J). 2017 Sep-Oct;93(5):497-507. PMID: 28336264; Monlong et al., PLoS Genet. 2018 Apr 12;14(4):e1007285. PMID: 29649218

GRCh37/hg19 2p24.1-22.2(chr2:20938401-37327210)x3

Genes: ABHD1 (abhydrolase domain containing 1; plus strand), ADCY3 (adenylate cyclase 3; minus strand), ADGRF3 (adhesion G protein-coupled receptor F3; minus strand), AGBL5 (AGBL carboxypeptidase 5; plus strand), ALK (ALK receptor tyrosine kinase; minus strand) and 109 more. Cytogenetic location: 2p24.1-22.2.
Variant type: copy number gain.
Change: copy number 3 (three copies instead of two) of chr2:20,938,401-37,327,210 (16.39 Mb, GRCh37 coordinates, 1-based), cytogenetic band 2p24.1-22.2.
Identifiers: ClinVar variation 3391842 (VCV003391842.1).